The following is an entry in ClinVar:

ClinVar aggregate classification (germline): Uncertain significance (1 of 4 stars; one submission).

Conditions:
Hereditary cancer-predisposing syndrome. Also called: Hereditary Cancer Syndrome; Neoplastic Syndromes, Hereditary; Tumor predisposition; Hereditary neoplastic syndrome. Identifiers: Orphanet 140162, MedGen C0027672, MeSH D009386, MONDO:0015356.

Submission:

Ambry Genetics
Classification: Uncertain significance for Hereditary cancer-predisposing syndrome. Last evaluated: 2026-07-02. Review status: criteria provided, single submitter. Criteria: Ambry Variant Classification Scheme 2023. Collection method: clinical testing. Allele origin: germline.
Comment: The c.2375_2433+18del77 pathogenic mutation results from a deletion of 77 nucleotides between positions 2375 and 2433 and involves the canonical splice donor site after coding exon 17 of the CTNNA1 gene. The canonical splice donor site is highly conserved in available vertebrate species. Variants that disrupt the canonical splice site are expected to cause aberrant splicing. In silico analysis predicts that this variant will abolish the native splice donor site. A resulting transcript is predicted to be in-frame and is not expected to trigger nonsense-mediated mRNA decay; although, direct evidence is unavailable. Based on the available evidence, the clinical significance of this variant remains unclear.

NM_001903.5(CTNNA1):c.2375_2433+18del

Gene: CTNNA1 (catenin alpha 1; plus strand). Cytogenetic location: 5q31.2.
Variant type: Deletion.
Coding change: c.2375_2433+18del on transcript NM_001903.5 (MANE Select); coding-DNA position 2375 through 18 bases into the intron after coding-DNA position 2433, 77 bases deleted.
Molecular consequence: splice donor variant. On other transcripts: intron variant (1).
Genome position (GRCh38, 1-based): chr5:138,932,654-138,932,730, 77 bases deleted. GRCh37 (hg19): chr5:138,268,343-138,268,419.
Other names: c.2375_2433+18del (NM_001323982.2, NM_001323984.2, NM_001290307.3 and 2 more transcripts); c.2282_2340+18del (NM_001323986.2); c.2006_2064+18del (NM_001290310.3); c.2066_2124+18del (NM_001290309.3); c.1265_1323+18del (NM_001323996.1, NM_001323993.1, NM_001324005.1 and 16 more transcripts); c.926_984+18del (NM_001324007.1, NM_001324009.1, NM_001324006.1 and 2 more transcripts); c.1022_1080+18del (NM_001324013.1, NM_001324012.1); c.1189-1148_1189-1072del (NM_001324001.1); and 1 more.
Identifiers: ClinVar variation 5034984 (VCV005034984.1).